The following is an entry in ClinVar:

NM_000016.6(ACADM):c.1117G>C (p.Val373Leu)

Gene: ACADM (acyl-CoA dehydrogenase medium chain; plus strand). Cytogenetic location: 1p31.1.
Variant type: single nucleotide variant.
Coding change: c.1117G>C on transcript NM_000016.6 (MANE Select); coding-DNA position 1117, G replaced by C.
Protein change: p.Val373Leu; replaces valine 373 with leucine.
Molecular consequence: missense variant.
Genome position (GRCh38, 1-based): chr1:75,761,293, G>C. VCF-style: chr1-75761293-G-C. GRCh37 (hg19) VCF-style: chr1-76226978-G-C.
Other names: c.1129G>C, p.Val377Leu (NM_001127328.3); c.1009G>C, p.Val337Leu (NM_001286042.2); c.1216G>C, p.Val406Leu (NM_001286043.2); c.550G>C, p.Val184Leu (NM_001286044.2); short protein forms V184L, V406L, V373L, V337L, V377L.
Identifiers: ClinVar variation 2093359 (VCV002093359.3), dbSNP rs2525699415, ClinGen allele CA340818202.

ClinVar aggregate classification (germline): Uncertain significance (1 of 4 stars; one submission).

Conditions:
Medium-chain acyl-coenzyme A dehydrogenase deficiency (ACADMD). Also called: CARNITINE DEFICIENCY SECONDARY TO MEDIUM-CHAIN ACYL-CoA DEHYDROGENASE DEFICIENCY; Medium chain acyl-CoA dehydrogenase deficiency; ACADM DEFICIENCY; MCADD; MCAD Deficiency; MCADH DEFICIENCY. Identifiers: Orphanet 42, MedGen C0220710, MONDO:0008721, OMIM 201450.

Submission:

Labcorp Genetics (formerly Invitae), Labcorp
Classification: Uncertain significance for Medium-chain acyl-coenzyme A dehydrogenase deficiency. Last evaluated: 2024-05-23. Review status: criteria provided, single submitter. Criteria: Invitae Variant Classification Sherloc (09022015). Collection method: clinical testing. Allele origin: germline.
Comment: This sequence change replaces valine, which is neutral and non-polar, with leucine, which is neutral and non-polar, at codon 373 of the ACADM protein (p.Val373Leu). This variant is not present in population databases (gnomAD no frequency). This variant has not been reported in the literature in individuals affected with ACADM-related conditions. ClinVar contains an entry for this variant (Variation ID: 2093359). Advanced modeling of protein sequence and biophysical properties (such as structural, functional, and spatial information, amino acid conservation, physicochemical variation, residue mobility, and thermodynamic stability) performed at Invitae indicates that this missense variant is not expected to disrupt ACADM protein function with a negative predictive value of 80%. In summary, the available evidence is currently insufficient to determine the role of this variant in disease. Therefore, it has been classified as a Variant of Uncertain Significance.